The following is an entry in ClinVar:

ClinVar aggregate classification (germline): Uncertain significance (1 of 4 stars; one submission).

gnomAD v4.1: 42 of 1,614,164 alleles (0.0026%); highest among the groups gnomAD compares: Non-Finnish European, 0.0032%; no homozygotes.

Submission:

Labcorp Genetics (formerly Invitae), Labcorp
Classification: Uncertain significance. Last evaluated: 2025-09-03. Review status: criteria provided, single submitter. Criteria: Invitae Variant Classification Sherloc (09022015). Collection method: clinical testing. Allele origin: germline.
Comment: This sequence change replaces isoleucine, which is neutral and non-polar, with asparagine, which is neutral and polar, at codon 450 of the JAK1 protein (p.Ile450Asn). This variant is present in population databases (rs759703507, gnomAD 0.002%). This variant has not been reported in the literature in individuals affected with JAK1-related conditions. Invitae Evidence Modeling of protein sequence and biophysical properties (such as structural, functional, and spatial information, amino acid conservation, physicochemical variation, residue mobility, and thermodynamic stability) indicates that this missense variant is not expected to disrupt JAK1 protein function with a negative predictive value of 80%. In summary, the available evidence is currently insufficient to determine the role of this variant in disease. Therefore, it has been classified as a Variant of Uncertain Significance.

NM_002227.4(JAK1):c.1349T>A (p.Ile450Asn)

Gene: JAK1 (Janus kinase 1; minus strand). Cytogenetic location: 1p31.3.
Variant type: single nucleotide variant.
Coding change: c.1349T>A on transcript NM_002227.4 (MANE Select); coding-DNA position 1349, T replaced by A.
Protein change: p.Ile450Asn; replaces isoleucine 450 with asparagine.
Molecular consequence: missense variant.
Genome position (GRCh38, 1-based): chr1:64,857,765, A>T on the plus strand (T>A on the coding strand, the complement: JAK1 is on the minus strand). VCF-style: chr1-64857765-A-T. GRCh37 (hg19) VCF-style: chr1-65323448-A-T.
Other names: c.1349T>A, p.Ile450Asn (NM_001320923.2, NM_001321852.2, NM_001321853.2 and 4 more transcripts); short protein forms I450N.
Identifiers: ClinVar variation 4698419 (VCV004698419.1).